The following is an entry in ClinVar:

ClinVar aggregate classification (germline): Likely benign (1 of 4 stars; one submission).

Allele frequency attached by ClinVar (database versions not stated): TOPMed 0.00034; 1000 Genomes Project 30x 0.00094; gnomAD exomes 0.00105; 1000 Genomes Project 0.00120; gnomAD 0.00181; ExAC 0.00379.
gnomAD v4.1: 1,753 of 1,544,678 alleles (0.11%); highest among the groups gnomAD compares: East Asian, 0.073%; 9 homozygotes.

Submission:

CeGaT Center for Human Genetics Tuebingen
Classification: Likely benign. Last evaluated: 2023-03-01. Review status: criteria provided, single submitter. Criteria: CeGaT Center For Human Genetics Tuebingen Variant Classification Criteria Version 2. Collection method: clinical testing. Allele origin: germline. Affected: yes. Observed: 1 variant allele.
Comment: ACOD1: BP4

NM_001258406.2(ACOD1):c.183T>G (p.Ser61Arg)

Gene: ACOD1 (aconitate decarboxylase 1; plus strand). Cytogenetic location: 13q22.3.
Variant type: single nucleotide variant.
Coding change: c.183T>G on transcript NM_001258406.2 (MANE Select); coding-DNA position 183, T replaced by G.
Protein change: p.Ser61Arg; replaces serine 61 with arginine.
Molecular consequence: missense variant.
Genome position (GRCh38, 1-based): chr13:76,953,608, T>G. VCF-style: chr13-76953608-T-G. GRCh37 (hg19) VCF-style: chr13-77527743-T-G.
Other names: short protein forms S61R.
Identifiers: ClinVar variation 2643848 (VCV002643848.24), dbSNP rs192457026, ClinGen allele CA7006965.